The following is an entry in ClinVar:

ClinVar aggregate classification (germline): Uncertain significance (1 of 4 stars; one submission).

Conditions:
Deficiency of acetyl-CoA acetyltransferase. Also called: 3-KETOTHIOLASE DEFICIENCY; 3-OXOTHIOLASE DEFICIENCY; Beta-ketothiolase deficiency; MITOCHONDRIAL ACETOACETYL-CoA THIOLASE DEFICIENCY. Identifiers: Orphanet 134, MedGen C1536500, MONDO:0008760, OMIM 203750. Disease mechanism: loss of function.

Submission:

Labcorp Genetics (formerly Invitae), Labcorp
Classification: Uncertain significance for Deficiency of acetyl-CoA acetyltransferase. Last evaluated: 2022-11-11. Review status: criteria provided, single submitter. Criteria: Invitae Variant Classification Sherloc (09022015). Collection method: clinical testing. Allele origin: germline.
Comment: This sequence change results in a frameshift in the ACAT1 gene (p.Ile424Lysfs*47). While this is not anticipated to result in nonsense mediated decay, it is expected to disrupt the last 4 amino acid(s) of the ACAT1 protein and extend the protein by 42 additional amino acid residues. This variant is not present in population databases (gnomAD no frequency). This variant has not been reported in the literature in individuals affected with ACAT1-related conditions. Experimental studies and prediction algorithms are not available or were not evaluated, and the functional significance of this variant is currently unknown. In summary, the available evidence is currently insufficient to determine the role of this variant in disease. Therefore, it has been classified as a Variant of Uncertain Significance.

NM_000019.4(ACAT1):c.1269_1270dup (p.Ile424fs)

Gene: ACAT1 (acetyl-CoA acetyltransferase 1; plus strand). Cytogenetic location: 11q22.3.
Variant type: Duplication.
Coding change: c.1269_1270dup on transcript NM_000019.4 (MANE Select); coding-DNA positions 1269 to 1270, 2 bases duplicated (AA; older notation c.1269_1270dupAA).
Protein change: p.Ile424fs; shifts the reading frame from isoleucine 424.
Molecular consequence: frameshift variant. On other transcripts: non-coding transcript variant (2).
Genome position (GRCh38, 1-based): chr11:108,147,375-108,147,376, AA duplicated. VCF-style (leftmost placement, unchanged base first): chr11-108147374-T-TAA. GRCh37 (hg19) VCF-style: chr11-108018101-T-TAA.
Other names: c.1290_1291dup, p.Ile431fs (NM_001386677.1); c.954_955dup, p.Ile319fs (NM_001386678.1); c.972_973dup, p.Ile325fs (NM_001386679.1); c.999_1000dup, p.Ile334fs (NM_001386681.1, NM_001386682.1, NM_001386685.1 and 6 more transcripts); short protein forms I325fs, I319fs, I431fs, I334fs, I424fs.
Identifiers: ClinVar variation 2808215 (VCV002808215.3), dbSNP rs2496668129, ClinGen allele CA2739270894.